The following is an entry in ClinVar:

ClinVar aggregate classification (germline): Uncertain significance (1 of 4 stars; one submission).

Conditions:
Hereditary cancer-predisposing syndrome. Also called: Neoplastic Syndromes, Hereditary; Tumor predisposition; Hereditary neoplastic syndrome; Hereditary Cancer Syndrome. Identifiers: Orphanet 140162, MedGen C0027672, MeSH D009386, MONDO:0015356.

Submission:

Ambry Genetics
Classification: Uncertain significance for Hereditary cancer-predisposing syndrome. Last evaluated: 2026-07-07. Review status: criteria provided, single submitter. Criteria: Ambry Variant Classification Scheme 2023. Collection method: clinical testing. Allele origin: germline.
Comment: The p.H325P variant (also known as c.974A>C), located in coding exon 4 of the BARD1 gene, results from an A to C substitution at nucleotide position 974. The histidine at codon 325 is replaced by proline, an amino acid with similar properties. This amino acid position is conserved. In addition, this alteration is predicted to be tolerated by in silico analysis. Based on the available evidence, the clinical significance of this variant remains unclear.

NM_000465.4(BARD1):c.974A>C (p.His325Pro)

Gene: BARD1 (BRCA1 associated RING domain 1; minus strand). Cytogenetic location: 2q35.
Variant type: single nucleotide variant.
Coding change: c.974A>C on transcript NM_000465.4 (MANE Select); coding-DNA position 974, A replaced by C.
Protein change: p.His325Pro; replaces histidine 325 with proline.
Molecular consequence: missense variant. On other transcripts: non-coding transcript variant (2), intron variant (3).
Genome position (GRCh38, 1-based): chr2:214,780,900, T>G on the plus strand (A>C on the coding strand, the complement: BARD1 is on the minus strand). VCF-style: chr2-214780900-T-G. GRCh37 (hg19) VCF-style: chr2-215645624-T-G.
Other names: c.917A>C, p.His306Pro (NM_001282543.2); c.159-28345A>C (NM_001282548.2); c.215+16161A>C (NM_001282545.2); c.364+11397A>C (NM_001282549.2); short protein forms H306P, H325P.
Identifiers: ClinVar variation 5032801 (VCV005032801.1).